The following is an entry in ClinVar:

ClinVar aggregate classification (germline): Uncertain significance (1 of 4 stars; one submission).

Submission:

Labcorp Genetics (formerly Invitae), Labcorp
Classification: Uncertain significance. Last evaluated: 2024-01-03. Review status: criteria provided, single submitter. Criteria: Invitae Variant Classification Sherloc (09022015). Collection method: clinical testing. Allele origin: germline.
Comment: This sequence change replaces proline, which is neutral and non-polar, with histidine, which is basic and polar, at codon 121 of the HOXB13 protein (p.Pro121His). This variant is not present in population databases (gnomAD no frequency). This variant has not been reported in the literature in individuals affected with HOXB13-related conditions. Advanced modeling of protein sequence and biophysical properties (such as structural, functional, and spatial information, amino acid conservation, physicochemical variation, residue mobility, and thermodynamic stability) performed at Invitae indicates that this missense variant is not expected to disrupt HOXB13 protein function with a negative predictive value of 80%. In summary, the available evidence is currently insufficient to determine the role of this variant in disease. Therefore, it has been classified as a Variant of Uncertain Significance.

NM_006361.6(HOXB13):c.362C>A (p.Pro121His)

Gene: HOXB13 (homeobox B13; minus strand). Cytogenetic location: 17q21.32.
Variant type: single nucleotide variant.
Coding change: c.362C>A on transcript NM_006361.6 (MANE Select); coding-DNA position 362, C replaced by A.
Protein change: p.Pro121His; replaces proline 121 with histidine.
Molecular consequence: missense variant.
Genome position (GRCh38, 1-based): chr17:48,728,232, G>T on the plus strand (C>A on the coding strand, the complement: HOXB13 is on the minus strand). VCF-style: chr17-48728232-G-T. GRCh37 (hg19) VCF-style: chr17-46805594-G-T.
Other names: short protein forms P121H.
Identifiers: ClinVar variation 2707109 (VCV002707109.3), dbSNP rs2509515216, ClinGen allele CA400107618.